The following is an entry in ClinVar:

ClinVar aggregate classification (germline): Uncertain significance (1 of 4 stars; one submission).

Conditions:
Hereditary cancer-predisposing syndrome. Also called: Neoplastic Syndromes, Hereditary; Tumor predisposition; Hereditary neoplastic syndrome; Hereditary Cancer Syndrome. Identifiers: Orphanet 140162, MedGen C0027672, MeSH D009386, MONDO:0015356.

Submission:

Ambry Genetics
Classification: Uncertain significance for Hereditary cancer-predisposing syndrome. Last evaluated: 2026-06-20. Review status: criteria provided, single submitter. Criteria: Ambry Variant Classification Scheme 2023. Collection method: clinical testing. Allele origin: germline.
Comment: The p.P488Q variant (also known as c.1463C>A), located in coding exon 3 of the MET gene, results from a C to A substitution at nucleotide position 1463. The proline at codon 488 is replaced by glutamine, an amino acid with similar properties. This amino acid position is conserved. In addition, this alteration is predicted to be tolerated by in silico analysis. Based on the available evidence, the clinical significance of this variant remains unclear.

NM_000245.4(MET):c.1463C>A (p.Pro488Gln)

Gene: MET (MET proto-oncogene, receptor tyrosine kinase; plus strand). Cytogenetic location: 7q31.2.
Variant type: single nucleotide variant.
Coding change: c.1463C>A on transcript NM_000245.4 (MANE Select); coding-DNA position 1463, C replaced by A.
Protein change: p.Pro488Gln; replaces proline 488 with glutamine.
Molecular consequence: missense variant.
Genome position (GRCh38, 1-based): chr7:116,740,020, C>A. VCF-style: chr7-116740020-C-A. GRCh37 (hg19) VCF-style: chr7-116380074-C-A.
Other names: c.1463C>A, p.Pro488Gln (NM_001127500.3, NM_001324401.3); c.173C>A, p.Pro58Gln (NM_001324402.2); short protein forms P58Q, P488Q.
Identifiers: ClinVar variation 5024328 (VCV005024328.1).